The following is an entry in ClinVar:

ClinVar aggregate classification (germline): Likely benign. Review status: criteria provided, multiple submitters, no conflicts (2 of 4 stars). 2 submissions from 2 submitters: Likely benign (2). Last evaluated 2025-02-20.

Conditions:
Weill-Marchesani syndrome 1 (WMS1). Also called: Weill-Marchesani syndrome 1, recessive; ADAMTS10-Related Weill-Marchesani Syndrome; Weill-Marchesani Syndrome, Autosomal Recessive. Identifiers: Orphanet 3449, MedGen C4552002, MONDO:0010194, OMIM 277600.

Allele frequency attached by ClinVar (database versions not stated): gnomAD exomes 0.00005 and 0.00015; TOPMed 0.00007; gnomAD 0.00008 and 0.00011; ExAC 0.00015; 1000 Genomes Project 0.00040; 1000 Genomes Project 30x 0.00047.
gnomAD v4.1: 95 of 1,613,640 alleles (0.0059%); highest among the groups gnomAD compares: East Asian, 0.045%; 1 homozygote.

Submissions (2):

Labcorp Genetics (formerly Invitae), Labcorp
Classification: Likely benign. Last evaluated: 2025-02-20. Review status: criteria provided, single submitter. Criteria: Invitae Variant Classification Sherloc (09022015). Collection method: clinical testing. Allele origin: germline.

Victorian Clinical Genetics Services, Murdoch Childrens Research Institute
Classification: Likely benign for Weill-Marchesani syndrome 1. Last evaluated: 2020-05-25. Review status: criteria provided, single submitter. Criteria: ACMG Guidelines, 2015. Collection method: clinical testing. Allele origin: germline. Inheritance: Autosomal recessive inheritance.
Comment: Based on the classification scheme VCGS_Germline_v1.1.1, this variant is classified as likely benign. Following criteria are met: 0102 - Loss-of-function is a known mechanism of disease for this gene. (N) 0106 - This gene is known to be associated with autosomal recessive disease. (N) 0200 - Variant is predicted to result in a missense amino acid change from threonine to methionine (exon 3). (N) 0251 - Variant is heterozygous. (N) 0304 - Variant is present in gnomAD <0.01 for a recessive condition (34 heterozygotes, 1 homozygote). (P) 0503 - Missense variant consistently predicted to be tolerated or not conserved in mammals with a minor amino acid change. (B) 0504 - Same amino acid change has been observed in mammals. (B) 0600 - Variant is located in an annotated domain or motif (signal peptide; PDB, OMIM). (N) 0705 - No comparable variants have previous evidence for pathogenicity. (N) 0807 - Variant has not previously been reported in a clinical context. (N) 0905 - No segregation evidence has been identified for this variant. (N) 1007 - No published functional evidence has been identified for this variant. (N) 1208 - Inheritance information for this variant is not currently available. (N) Legend: (P) - Pathogenic, (N) - Neutral, (B) - Benign

NM_030957.4(ADAMTS10):c.68C>T (p.Thr23Met)

Gene: ADAMTS10 (ADAM metallopeptidase with thrombospondin type 1 motif 10; minus strand). Cytogenetic location: 19p13.2.
Variant type: single nucleotide variant.
Coding change: c.68C>T on transcript NM_030957.4 (MANE Select); coding-DNA position 68, C replaced by T.
Protein change: p.Thr23Met; replaces threonine 23 with methionine.
Molecular consequence: missense variant.
Genome position (GRCh38, 1-based): chr19:8,605,643, G>A on the plus strand (C>T on the coding strand, the complement: ADAMTS10 is on the minus strand). VCF-style: chr19-8605643-G-A. GRCh37 (hg19) VCF-style: chr19-8670528-G-A.
Other names: short protein forms T23M.
Identifiers: ClinVar variation 1647629 (VCV001647629.10), dbSNP rs376131325, ClinGen allele CA9160960.